The following is an entry in ClinVar:

NM_031229.4(RBCK1):c.1054C>T (p.Arg352Ter)

Gene: RBCK1 (RANBP2-type and C3HC4-type zinc finger containing 1; plus strand). Cytogenetic location: 20p13.
Variant type: single nucleotide variant.
Coding change: c.1054C>T on transcript NM_031229.4 (MANE Select); coding-DNA position 1054, C replaced by T.
Protein change: p.Arg352Ter; replaces arginine 352 with a stop codon.
Molecular consequence: nonsense. On other transcripts: non-coding transcript variant (1).
Genome position (GRCh38, 1-based): chr20:427,337, C>T. VCF-style: chr20-427337-C-T. GRCh37 (hg19) VCF-style: chr20-407981-C-T.
Other names: c.544C>T, p.Arg182Ter (NM_001323956.2, NM_001323958.2); c.928C>T, p.Arg310Ter (NM_006462.6); short protein forms R352*, R310*, R182*.
Identifiers: ClinVar variation 580166 (VCV000580166.13), dbSNP rs780854072, ClinGen allele CA9723272.

ClinVar aggregate classification (germline): Pathogenic. Review status: criteria provided, multiple submitters, no conflicts (2 of 4 stars). 3 submissions from 3 submitters: Pathogenic (3). Last evaluated 2025-08-13.

Conditions:
Polyglucosan body myopathy type 1 (PGBM1). Also called: Polyglucosan body myopathy 1 with or without immunodeficiency; POLYGLUCOSAN BODY MYOPATHY WITHOUT IMMUNODEFICIENCY. Identifiers: Orphanet 329173, Orphanet 397937, MedGen C4014605, MONDO:0014389, OMIM 615895.

Allele frequency attached by ClinVar (database versions not stated): TOPMed below 0.00001; ExAC 0.00001; gnomAD 0.00001; gnomAD exomes 0.00001.
gnomAD v4.1: 26 of 1,613,952 alleles (0.0016%); highest among the groups gnomAD compares: East Asian, 0.0089%; no homozygotes.

Submissions (3):

Institute of Human Genetics, Heidelberg University
Classification: Pathogenic for Polyglucosan body myopathy type 1. Last evaluated: 2025-08-13. Review status: criteria provided, single submitter. Criteria: ACMG Guidelines, 2015. Collection method: clinical testing. Allele origin: biparental. Affected: yes. Observed: 3 variant alleles.
Comment: PM2_supp, PVS1_vs, PM3_mod

Labcorp Genetics (formerly Invitae), Labcorp
Classification: Pathogenic for Polyglucosan body myopathy type 1. Last evaluated: 2023-07-14. Review status: criteria provided, single submitter. Criteria: Invitae Variant Classification Sherloc (09022015). Collection method: clinical testing. Allele origin: germline.
Comment: Algorithms developed to predict the effect of sequence changes on RNA splicing suggest that this variant may disrupt the consensus splice site. ClinVar contains an entry for this variant (Variation ID: 580166). This premature translational stop signal has been observed in individual(s) with polyglucosan body myopathy and dilated cardiomyopathy (PMID: 23798481). This variant is present in population databases (rs780854072, gnomAD 0.01%). This sequence change creates a premature translational stop signal (p.Arg352*) in the RBCK1 gene. It is expected to result in an absent or disrupted protein product. Loss-of-function variants in RBCK1 are known to be pathogenic (PMID: 2379848, 23104095, 23889995). For these reasons, this variant has been classified as Pathogenic.

Division Of Personalized Genomic Medicine, Columbia University Irving Medical Center
Classification: Pathogenic for Polyglucosan body myopathy type 1. Last evaluated: 2019-06-14. Review status: criteria provided, single submitter. Criteria: ACMG Guidelines, 2015. Collection method: clinical testing. Allele origin: biparental. Inheritance: Autosomal recessive inheritance. Affected: yes. Observed: 1 homozygote.
Comment: The c.1054C>T, p.Arg352* variant in the RBCK1 gene is a homozygous nonsense variant which results in premature truncation of the protein at exon 9/12. The allele frequency of this variant in the gnomAD database is 0.00001194 (3/251,356) without homozygotes, suggesting that it is not a common benign polymorphism in the populations presented in this database. This variant in the homozygous state has been previously reported as disease causing in one family (PMID: 23798481). Pathogenic variants in the RBCK1 gene are causative of autosomal recessive polyglucosan body myopathy 1 with or without immunodeficiency (OMIM#: 615895). Several truncating RBCK1 variants have been reported in multiple patients/families with the disease, suggesting the disease mechanism is loss of function (PMID: 23798481).

Literature cited by the submitters: PubMed 23798481 (cited by Labcorp Genetics (formerly Invitae), Labcorp and Division Of Personalized Genomic Medicine, Columbia University Irving Medical Center); PubMed 2379848 (cited by Labcorp Genetics (formerly Invitae), Labcorp); PubMed 23104095 (cited by Labcorp Genetics (formerly Invitae), Labcorp); PubMed 23889995 (cited by Labcorp Genetics (formerly Invitae), Labcorp).